The following is an entry in ClinVar:

ClinVar aggregate classification (germline): Uncertain significance (1 of 4 stars; one submission).

Conditions:
Peroxisome biogenesis disorder. Identifiers: Orphanet 79189, MedGen C1832200, MONDO:0019234. Disease mechanism: loss of function.

Submission:

Labcorp Genetics (formerly Invitae), Labcorp
Classification: Uncertain significance for Peroxisome biogenesis disorder. Last evaluated: 2022-06-26. Review status: criteria provided, single submitter. Criteria: Invitae Variant Classification Sherloc (09022015). Collection method: clinical testing. Allele origin: germline.
Comment: This sequence change replaces aspartic acid, which is acidic and polar, with valine, which is neutral and non-polar, at codon 308 of the PEX16 protein (p.Asp308Val). This variant is not present in population databases (gnomAD no frequency). This variant has not been reported in the literature in individuals affected with PEX16-related conditions. Algorithms developed to predict the effect of missense changes on protein structure and function are either unavailable or do not agree on the potential impact of this missense change (SIFT: "Deleterious"; PolyPhen-2: "Possibly Damaging"; Align-GVGD: "Class C0"). In summary, the available evidence is currently insufficient to determine the role of this variant in disease. Therefore, it has been classified as a Variant of Uncertain Significance.

NM_004813.4(PEX16):c.923A>T (p.Asp308Val)

Gene: PEX16 (peroxisomal biogenesis factor 16; minus strand). Cytogenetic location: 11p11.2.
Variant type: single nucleotide variant.
Coding change: c.923A>T on transcript NM_004813.4 (MANE Select); coding-DNA position 923, A replaced by T.
Protein change: p.Asp308Val; replaces aspartic acid 308 with valine.
Molecular consequence: missense variant.
Genome position (GRCh38, 1-based): chr11:45,910,927, T>A on the plus strand (A>T on the coding strand, the complement: PEX16 is on the minus strand). VCF-style: chr11-45910927-T-A. GRCh37 (hg19) VCF-style: chr11-45932478-T-A.
Other names: c.923A>T, p.Asp308Val (NM_057174.3); short protein forms D308V.
Identifiers: ClinVar variation 1984665 (VCV001984665.1), dbSNP rs2494878675, ClinGen allele CA380224539.